The following is an entry in ClinVar:

ClinVar aggregate classification (germline): Uncertain significance (1 of 4 stars; one submission).

Submission:

GeneDx
Classification: Uncertain significance. Last evaluated: 2022-10-06. Review status: criteria provided, single submitter. Criteria: GeneDx Variant Classification Process June 2021. Collection method: clinical testing. Allele origin: germline. Affected: yes.
Comment: Not observed at significant frequency in large population cohorts (gnomAD); Has not been previously published as pathogenic or benign to our knowledge; In-silico analysis is inconclusive as to whether the variant alters gene splicing. In the absence of RNA/functional studies, the actual effect of this sequence change is unknown.

NM_020975.6(RET):c.1759+6C>T

Gene: RET (ret proto-oncogene; plus strand). Cytogenetic location: 10q11.21.
Variant type: single nucleotide variant.
Coding change: c.1759+6C>T on transcript NM_020975.6 (MANE Select); 6 bases into the intron after coding-DNA position 1759, C replaced by T.
Molecular consequence: intron variant.
Genome position (GRCh38, 1-based): chr10:43,112,969, C>T. VCF-style: chr10-43112969-C-T. GRCh37 (hg19) VCF-style: chr10-43608417-C-T.
Other names: c.1759+6C>T (NM_020630.7, NM_001406743.1, NM_001406744.1 and 4 more transcripts); c.1363+6C>T (NM_001406772.1, NM_001406769.1); c.1321+6C>T (NM_001406773.1, NM_001406771.1); c.862+6C>T (NM_001406782.1, NM_001406780.1, NM_001406779.1 and 3 more transcripts); c.1630+6C>T (NM_001406764.1, NM_001406762.1, NM_001406761.1 and 1 more transcripts); c.1234+6C>T (NM_001406774.1); c.733+6C>T (NM_001406786.1, NM_001406783.1); c.1471+6C>T (NM_001406770.1, NM_001406766.1, NM_001406767.1); and 5 more.
Identifiers: ClinVar variation 2497833 (VCV002497833.1), dbSNP rs2132817991, ClinGen allele CA2580081698.